The following is an entry in ClinVar:

ClinVar aggregate classification (germline): Likely benign. Review status: criteria provided, multiple submitters, no conflicts (2 of 4 stars). 2 submissions from 2 submitters: Likely benign (2). Last evaluated 2026-06-16.

Conditions:
INPP5E-related disorder. Also called: INPP5E-related condition.
Joubert syndrome. Also called: Familial aplasia of the vermis; JOUBERT-BOLTSHAUSER SYNDROME. Identifiers: Orphanet 475, MedGen C5979921, MONDO:0018772.

Submissions (2):

PreventionGenetics, part of Exact Sciences
Classification: Likely benign for INPP5E-related condition. Last evaluated: 2026-06-16. Review status: criteria provided, single submitter. Criteria: ACMG Guidelines, 2015. Collection method: clinical testing. Allele origin: germline.
Comment: This variant is classified as likely benign based on ACMG/AMP sequence variant interpretation guidelines (Richards et al. 2015 PMID: 25741868, with internal and published modifications).

Labcorp Genetics (formerly Invitae), Labcorp
Classification: Likely benign for Joubert syndrome. Last evaluated: 2022-07-26. Review status: criteria provided, single submitter. Criteria: Invitae Variant Classification Sherloc (09022015). Collection method: clinical testing. Allele origin: germline.

NM_019892.6(INPP5E):c.1388-4G>T

Gene: INPP5E (inositol polyphosphate-5-phosphatase E; minus strand). Cytogenetic location: 9q34.3.
Variant type: single nucleotide variant.
Coding change: c.1388-4G>T on transcript NM_019892.6 (MANE Select); 4 bases into the intron before coding-DNA position 1388, G replaced by T.
Molecular consequence: intron variant.
Genome position (GRCh38, 1-based): chr9:136,431,989, C>A on the plus strand (G>T on the coding strand, the complement: INPP5E is on the minus strand). VCF-style: chr9-136431989-C-A. GRCh37 (hg19) VCF-style: chr9-139326441-C-A.
Other names: c.1385-4G>T (NM_001318502.2); c.1388-4G>T (NM_019892.5).
Identifiers: ClinVar variation 1040153 (VCV001040153.10), dbSNP rs754727297, ClinGen allele CA5336809.
Genomic context (GRCh38, chr9:136,431,989, plus strand): 5'-GGCGGAAGTTGAAGTCTCCAAACCAGAACACCTCATCGAAGCGGGTGGTGACGTCCGCTG[C>A]GGCACAGTGGGCCATGTGTGGGCACAGGCAGAGGGACGGCAGGTCCTTCCCCTTCCCCAG-3'